The following is an entry in ClinVar:

ClinVar aggregate classification (germline): Likely benign. Review status: criteria provided, multiple submitters, no conflicts (2 of 4 stars). 3 submissions from 3 submitters: Likely benign (3). Last evaluated 2025-11-17.

Conditions:
Microcephaly-intellectual disability-sensorineural hearing loss-epilepsy-abnormal muscle tone syndrome (NEDHSB). Also called: NEURODEVELOPMENTAL DISORDER WITH HEARING LOSS, SEIZURES, AND BRAIN ABNORMALITIES. Identifiers: Orphanet 457351, MedGen C4225276, MONDO:0014698, OMIM 616577.

Allele frequency attached by ClinVar (database versions not stated): gnomAD exomes 0.00002 and 0.00005; ExAC 0.00003; ESP Exome Variant Server 0.00015; TOPMed 0.00028; gnomAD 0.00029 and 0.00033.
gnomAD v4.1: 86 of 1,614,092 alleles (0.0053%); highest among the groups gnomAD compares: African/African-American, 0.099%; no homozygotes.

Submissions (3):

Labcorp Genetics (formerly Invitae), Labcorp
Classification: Likely benign for Microcephaly-intellectual disability-sensorineural hearing loss-epilepsy-abnormal muscle tone syndrome. Last evaluated: 2025-11-17. Review status: criteria provided, single submitter. Criteria: Invitae Variant Classification Sherloc (09022015). Collection method: clinical testing. Allele origin: germline.

CeGaT Center for Human Genetics Tuebingen
Classification: Likely benign. Last evaluated: 2022-07-01. Review status: criteria provided, single submitter. Criteria: CeGaT Center For Human Genetics Tuebingen Variant Classification Criteria Version 2. Collection method: clinical testing. Allele origin: germline. Affected: yes. Observed: 1 variant allele.
Comment: AFG2A: BP4, BP7

GeneDx
Classification: Likely benign. Last evaluated: 2019-02-27. Review status: criteria provided, single submitter. Criteria: GeneDx Variant Classification Process June 2021. Collection method: clinical testing. Allele origin: germline. Affected: yes.

NM_145207.3(AFG2A):c.585G>A (p.Val195=)

Gene: AFG2A (AAA ATPase AFG2A; plus strand). Cytogenetic location: 4q28.1.
Variant type: single nucleotide variant.
Coding change: c.585G>A on transcript NM_145207.3 (MANE Select); coding-DNA position 585, G replaced by A.
Protein change: p.Val195=; no amino-acid change (valine 195 retained).
Molecular consequence: synonymous variant.
Genome position (GRCh38, 1-based): chr4:122,934,176, G>A. VCF-style: chr4-122934176-G-A. GRCh37 (hg19) VCF-style: chr4-123855331-G-A.
Other names: c.582G>A, p.Val194= (NM_001317799.2, NM_001345856.2).
Identifiers: ClinVar variation 475732 (VCV000475732.37), dbSNP rs372782312, ClinGen allele CA3070284.
Genomic context (GRCh38, chr4:122,934,176, plus strand): 5'-AGGCAACTTTCTGTATTGTACATTCTATGGACGACCGTACAAGCTGCAAGTATTGCGAGT[G>A]AAAGGGGCAGATGGCATGATATTGGGAGGGCCTCAGAGTGACTCTGACACTGATGCCCAA-3'
Protein context (NP_660208.2, residues 185-205): GRPYKLQVLR[Val195=]KGADGMILGG